The following is an entry in ClinVar:

NM_133259.4(LRPPRC):c.3578T>C (p.Ile1193Thr)

Gene: LRPPRC (leucine rich pentatricopeptide repeat containing; minus strand). Cytogenetic location: 2p21.
Variant type: single nucleotide variant.
Coding change: c.3578T>C on transcript NM_133259.4 (MANE Select); coding-DNA position 3578, T replaced by C.
Protein change: p.Ile1193Thr; replaces isoleucine 1193 with threonine.
Molecular consequence: missense variant.
Genome position (GRCh38, 1-based): chr2:43,899,597, A>G on the plus strand (T>C on the coding strand, the complement: LRPPRC is on the minus strand). VCF-style: chr2-43899597-A-G. GRCh37 (hg19) VCF-style: chr2-44126736-A-G.
Other names: short protein forms I1193T.
Identifiers: ClinVar variation 550142 (VCV000550142.3), dbSNP rs370537508, ClinGen allele CA1638020.

ClinVar aggregate classification (germline): Uncertain significance. Review status: criteria provided, single submitter (1 of 4 stars). 2 submissions from 2 submitters: Uncertain significance (1). 1 of the submissions does not count toward it. Last evaluated 2023-07-11.

Conditions:
Congenital lactic acidosis, Saguenay-Lac-Saint-Jean type (MC4DN5). Also called: CYTOCHROME c OXIDASE DEFICIENCY, FRENCH CANADIAN TYPE; COX DEFICIENCY, FRENCH CANADIAN TYPE; MITOCHONDRIAL COMPLEX IV DEFICIENCY, NUCLEAR TYPE 5. Identifiers: Orphanet 70472, MedGen C1857355, MONDO:0009069, OMIM 220111.

Allele frequency attached by ClinVar (database versions not stated): gnomAD exomes 0.00003 and 0.00004; ExAC 0.00004; gnomAD 0.00005 and 0.00006; TOPMed 0.00005; ESP Exome Variant Server 0.00008.
gnomAD v4.1: 68 of 1,608,328 alleles (0.0042%); highest among the groups gnomAD compares: African/African-American, 0.0067%; no homozygotes.

Submissions (2):

GeneDx
Classification: Uncertain significance. Last evaluated: 2023-07-11. Review status: criteria provided, single submitter. Criteria: GeneDx Variant Classification Process June 2021. Collection method: clinical testing. Allele origin: germline. Affected: yes.
Comment: Not observed at significant frequency in large population cohorts (gnomAD); In silico analysis supports that this missense variant does not alter protein structure/function; Has not been previously published as pathogenic or benign to our knowledge

Counsyl
Classification: Uncertain significance for Congenital lactic acidosis, Saguenay-Lac-Saint-Jean type. Last evaluated: 2017-01-05. Review status: no assertion criteria provided. Collection method: clinical testing. Allele origin: unknown. Not counted in ClinVar's aggregate classification.